The following is an entry in ClinVar:

ClinVar aggregate classification (germline): Uncertain significance (1 of 4 stars; one submission).

gnomAD v4.1: 1 of 1,613,896 alleles (0.000062%); highest among the groups gnomAD compares: Admixed American, 0.0017%; no homozygotes.

Submission:

Labcorp Genetics (formerly Invitae), Labcorp
Classification: Uncertain significance. Last evaluated: 2022-07-04. Review status: criteria provided, single submitter. Criteria: Invitae Variant Classification Sherloc (09022015). Collection method: clinical testing. Allele origin: germline.
Comment: This sequence change replaces threonine, which is neutral and polar, with serine, which is neutral and polar, at codon 3331 of the PCLO protein (p.Thr3331Ser). This variant is not present in population databases (gnomAD no frequency). This variant has not been reported in the literature in individuals affected with PCLO-related conditions. ClinVar contains an entry for this variant (Variation ID: 1490185). Algorithms developed to predict the effect of missense changes on protein structure and function are either unavailable or do not agree on the potential impact of this missense change (SIFT: "Tolerated"; PolyPhen-2: "Not Available"; Align-GVGD: "Class C0"). Algorithms developed to predict the effect of sequence changes on RNA splicing suggest that this variant may create or strengthen a splice site. In summary, the available evidence is currently insufficient to determine the role of this variant in disease. Therefore, it has been classified as a Variant of Uncertain Significance.

NM_033026.6(PCLO):c.9992C>G (p.Thr3331Ser)

Gene: PCLO (piccolo presynaptic cytomatrix protein; minus strand). Cytogenetic location: 7q21.11.
Variant type: single nucleotide variant.
Coding change: c.9992C>G on transcript NM_033026.6 (MANE Select); coding-DNA position 9992, C replaced by G.
Protein change: p.Thr3331Ser; replaces threonine 3331 with serine.
Molecular consequence: missense variant.
Genome position (GRCh38, 1-based): chr7:82,950,596, G>C on the plus strand (C>G on the coding strand, the complement: PCLO is on the minus strand). VCF-style: chr7-82950596-G-C. GRCh37 (hg19) VCF-style: chr7-82579912-G-C.
Other names: c.9992C>G, p.Thr3331Ser (NM_014510.3); short protein forms T3331S.
Identifiers: ClinVar variation 1490185 (VCV001490185.3), dbSNP rs2116422192, ClinGen allele CA367905946.